The following is an entry in ClinVar:

NM_006389.5(HYOU1):c.1285G>T (p.Ala429Ser)

Genes: HYOU1 (hypoxia up-regulated 1; minus strand), LOC130006884 (ATAC-STARR-seq lymphoblastoid active region 5617; plus strand). Cytogenetic location: 11q23.3.
Variant type: single nucleotide variant.
Coding change: c.1285G>T on transcript NM_006389.5 (MANE Select); coding-DNA position 1285, G replaced by T.
Protein change: p.Ala429Ser; replaces alanine 429 with serine.
Molecular consequence: missense variant.
Genome position (GRCh38, 1-based): chr11:119,051,872, C>A on the plus strand (G>T on the coding strand, the complement: HYOU1 is on the minus strand). VCF-style: chr11-119051872-C-A. GRCh37 (hg19) VCF-style: chr11-118922584-C-A.
Other names: c.1285G>T, p.Ala429Ser (NM_001130991.3, NM_001411041.1); short protein forms A429S.
Identifiers: ClinVar variation 1975083 (VCV001975083.5), dbSNP rs782216113, ClinGen allele CA229622476.

ClinVar aggregate classification (germline): Uncertain significance (1 of 4 stars; one submission).

Allele frequency attached by ClinVar (database versions not stated): gnomAD exomes below 0.00001; gnomAD 0.00001; TOPMed 0.00002.
gnomAD v4.1: 3 of 1,614,050 alleles (0.00019%); highest among the groups gnomAD compares: African/African-American, 0.0027%; no homozygotes.

Submission:

Labcorp Genetics (formerly Invitae), Labcorp
Classification: Uncertain significance. Last evaluated: 2024-12-09. Review status: criteria provided, single submitter. Criteria: Invitae Variant Classification Sherloc (09022015). Collection method: clinical testing. Allele origin: germline.
Comment: This sequence change replaces alanine, which is neutral and non-polar, with serine, which is neutral and polar, at codon 429 of the HYOU1 protein (p.Ala429Ser). This variant is present in population databases (rs782216113, gnomAD 0.01%). This variant has not been reported in the literature in individuals affected with HYOU1-related conditions. ClinVar contains an entry for this variant (Variation ID: 1975083). An algorithm developed to predict the effect of missense changes on protein structure and function (PolyPhen-2) suggests that this variant is likely to be disruptive. In summary, the available evidence is currently insufficient to determine the role of this variant in disease. Therefore, it has been classified as a Variant of Uncertain Significance.